The following is an entry in ClinVar:

NM_001042492.3(NF1):c.62T>A (p.Leu21His)

Gene: NF1 (neurofibromin 1; plus strand). Cytogenetic location: 17q11.2.
Variant type: single nucleotide variant.
Coding change: c.62T>A on transcript NM_001042492.3 (MANE Select); coding-DNA position 62, T replaced by A.
Protein change: p.Leu21His; replaces leucine 21 with histidine.
Molecular consequence: missense variant.
Genome position (GRCh38, 1-based): chr17:31,155,984, T>A. VCF-style: chr17-31155984-T-A. GRCh37 (hg19) VCF-style: chr17-29483002-T-A.
Other names: c.62T>A, p.Leu21His (NM_000267.4, NM_001128147.3); short protein forms L21H.
Identifiers: ClinVar variation 1523219 (VCV001523219.9), dbSNP rs1567814403, ClinGen allele CA398988016.
Genomic context (GRCh38, chr17:31,155,984, plus strand): 5'-ATTTATGGTCGTTTTTAAGGATAAGCTGTTAACGTGTTTTTTTTTTCTTTTTTTTTCAGC[T>A]TCCAATAAAAACAGGACAGCAGAACACACATACCAAAGTCAGTACTGAGCACAACAAGGA-3'
Protein context (NP_001035957.1, residues 11-31): QAVVSRFDEQ[Leu21His]PIKTGQQNTH

ClinVar aggregate classification (germline): Uncertain significance. Review status: criteria provided, multiple submitters, no conflicts (2 of 4 stars). 2 submissions from 2 submitters: Uncertain significance (2). Last evaluated 2023-09-21.

Conditions:
Cardiovascular phenotype. Identifiers: MedGen CN230736.
Hereditary cancer-predisposing syndrome. Also called: Tumor predisposition; Hereditary neoplastic syndrome; Neoplastic Syndromes, Hereditary; Hereditary Cancer Syndrome. Identifiers: Orphanet 140162, MedGen C0027672, MeSH D009386, MONDO:0015356.
Neurofibromatosis, type 1 (NF1). Also called: VON RECKLINGHAUSEN DISEASE; Neurofibromatosis, type I; Peripheral type neurofibromatosis; NEUROFIBROMATOSIS, TYPE I, SOMATIC. Identifiers: Orphanet 636, MedGen C0027831, MONDO:0018975, OMIM 162200. Disease mechanism: loss of function.

Submissions (2):

Ambry Genetics
Classification: Uncertain significance for Cardiovascular phenotype; Hereditary cancer-predisposing syndrome. Last evaluated: 2023-09-21. Review status: criteria provided, single submitter. Criteria: Ambry Variant Classification Scheme 2023. Collection method: clinical testing. Allele origin: germline.
Comment: The p.L21H variant (also known as c.62T>A), located in coding exon 2 of the NF1 gene, results from a T to A substitution at nucleotide position 62. The leucine at codon 21 is replaced by histidine, an amino acid with similar properties. This alteration was identified in a patient with spinal neurofibromatosis whose father, who had multiple neurofibromas, and brother, who also had spinal neurofibromatosis, also carry this alteration (Paterra R et al. Cancers (Basel), 2022 Dec;15:). Based on structural analysis, L21H is moderately destabilizing to the local structure (Ambry internal data). This amino acid position is highly conserved in available vertebrate species. In addition, this alteration is predicted to be deleterious by in silico analysis. Since supporting evidence is limited at this time, the clinical significance of this alteration remains unclear.

Labcorp Genetics (formerly Invitae), Labcorp
Classification: Uncertain significance for Neurofibromatosis, type 1. Last evaluated: 2021-04-05. Review status: criteria provided, single submitter. Criteria: Invitae Variant Classification Sherloc (09022015). Collection method: clinical testing. Allele origin: germline.
Comment: This sequence change replaces leucine with histidine at codon 21 of the NF1 protein (p.Leu21His). The leucine residue is highly conserved and there is a moderate physicochemical difference between leucine and histidine. This variant is not present in population databases (ExAC no frequency). This variant has been observed in individual(s) with neurofibromatosis type 1 (Invitae). Algorithms developed to predict the effect of missense changes on protein structure and function are either unavailable or do not agree on the potential impact of this missense change (SIFT: "Deleterious"; PolyPhen-2: "Possibly Damaging"; Align-GVGD: "Class C0"). In summary, the available evidence is currently insufficient to determine the role of this variant in disease. Therefore, it has been classified as a Variant of Uncertain Significance.